The following is an entry in ClinVar:

ClinVar aggregate classification (germline): Uncertain significance (1 of 4 stars; one submission).

Submission:

GeneDx
Classification: Uncertain significance. Last evaluated: 2024-12-19. Review status: criteria provided, single submitter. Criteria: GeneDx Variant Classification Process June 2021. Collection method: clinical testing. Allele origin: germline. Affected: yes.
Comment: Not observed at significant frequency in large population cohorts (gnomAD); Alters the Kozak sequence, which plays a major role in the initiation of translation; Nucleotide is not conserved across species and the substitution has no predicted effect on splicing; Has not been previously published as pathogenic or benign to our knowledge

NM_001379291.1(BRD4):c.-5C>G

Gene: BRD4 (bromodomain containing 4; minus strand). Cytogenetic location: 19p13.12.
Variant type: single nucleotide variant.
Coding change: c.-5C>G on transcript NM_001379291.1 (MANE Select); 5 bases upstream of the start codon, C replaced by G.
Molecular consequence: 5 prime UTR variant.
Genome position (GRCh38, 1-based): chr19:15,273,104, G>C on the plus strand (C>G on the coding strand, the complement: BRD4 is on the minus strand). VCF-style: chr19-15273104-G-C. GRCh37 (hg19) VCF-style: chr19-15383915-G-C.
Other names: c.-5C>G (NM_001330384.2, NM_001379292.1, NM_014299.3 and 1 more transcripts).
Identifiers: ClinVar variation 3906488 (VCV003906488.1).